The following is an entry in ClinVar:

NM_020911.2(PLXNA4):c.5105C>T (p.Thr1702Met)

Gene: PLXNA4 (plexin A4; minus strand). Cytogenetic location: 7q32.3.
Variant type: single nucleotide variant.
Coding change: c.5105C>T on transcript NM_020911.2 (MANE Select); coding-DNA position 5105, C replaced by T.
Protein change: p.Thr1702Met; replaces threonine 1702 with methionine.
Molecular consequence: missense variant.
Genome position (GRCh38, 1-based): chr7:132,145,239, G>A on the plus strand (C>T on the coding strand, the complement: PLXNA4 is on the minus strand). VCF-style: chr7-132145239-G-A. GRCh37 (hg19) VCF-style: chr7-131829998-G-A.
Other names: c.5105C>T, p.Thr1702Met (NM_001393897.1); short protein forms T1702M.
Identifiers: ClinVar variation 3346193 (VCV003346193.1).

ClinVar aggregate classification (germline): Uncertain significance (0 of 4 stars; one submission).

Conditions:
PLXNA4-related disorder. Also called: PLXNA4-related condition.

gnomAD v4.1: 8 of 1,614,110 alleles (0.0005%); highest among the groups gnomAD compares: South Asian, 0.0022%; no homozygotes.

Submission:

PreventionGenetics, part of Exact Sciences
Classification: Uncertain significance for PLXNA4-related condition. Last evaluated: 2024-05-01. Review status: no assertion criteria provided. Collection method: clinical testing. Allele origin: germline.
Comment: The PLXNA4 c.5105C>T variant is predicted to result in the amino acid substitution p.Thr1702Met. To our knowledge, this variant has not been reported in the literature. This variant is reported in 0.0062% of alleles in individuals of African descent in gnomAD. At this time, the clinical significance of this variant is uncertain due to the absence of conclusive functional and genetic evidence.